The following is an entry in ClinVar:

NM_001130009.3(GEN1):c.2110A>G (p.Lys704Glu)

Gene: GEN1 (GEN1 structure-specific endonuclease; plus strand). Cytogenetic location: 2p24.2.
Variant type: single nucleotide variant.
Coding change: c.2110A>G on transcript NM_001130009.3 (MANE Select); coding-DNA position 2110, A replaced by G.
Protein change: p.Lys704Glu; replaces lysine 704 with glutamic acid.
Molecular consequence: missense variant.
Genome position (GRCh38, 1-based): chr2:17,781,322, A>G. VCF-style: chr2-17781322-A-G. GRCh37 (hg19) VCF-style: chr2-17962589-A-G.
Other names: c.2110A>G, p.Lys704Glu (NM_182625.5); short protein forms K704E.
Identifiers: ClinVar variation 2544905 (VCV002544905.6), dbSNP rs371577438, ClinGen allele CA1540899.
Genomic context (GRCh38, chr2:17,781,322, plus strand): 5'-TATCCTCAGGATAATCTACAACCAGATGTCAACCTGAAAACTTTGTCCATACTTAGTGTA[A>G]AAGAATCTTGTATTGCTAACAGTGGTTCTGATTGTACATCACATCTTTCAAAGGATCTTC-3'
Protein context (NP_001123481.3, residues 694-714): NLKTLSILSV[Lys704Glu]ESCIANSGSD

ClinVar aggregate classification (germline): Uncertain significance. Review status: criteria provided, multiple submitters, no conflicts (2 of 4 stars). 2 submissions from 2 submitters: Uncertain significance (2). Last evaluated 2024-11-28.

Allele frequency attached by ClinVar (database versions not stated): TOPMed 0.00002; gnomAD exomes 0.00003; ExAC 0.00004; ESP Exome Variant Server 0.00008.
gnomAD v4.1: 42 of 1,613,842 alleles (0.0026%); highest among the groups gnomAD compares: Non-Finnish European, 0.0033%; no homozygotes.

Submissions (2):

Ambry Genetics
Classification: Uncertain significance. Last evaluated: 2024-11-28. Review status: criteria provided, single submitter. Criteria: Ambry Variant Classification Scheme 2023. Collection method: clinical testing. Allele origin: germline.
Comment: The p.K704E variant (also known as c.2110A>G), located in coding exon 13 of the GEN1 gene, results from an A to G substitution at nucleotide position 2110. The lysine at codon 704 is replaced by glutamic acid, an amino acid with similar properties. This amino acid position is conserved. In addition, this alteration is predicted to be tolerated by in silico analysis. Based on the available evidence, the clinical significance of this variant remains unclear.

Labcorp Genetics (formerly Invitae), Labcorp
Classification: Uncertain significance. Last evaluated: 2023-12-25. Review status: criteria provided, single submitter. Criteria: Invitae Variant Classification Sherloc (09022015). Collection method: clinical testing. Allele origin: germline.
Comment: This sequence change replaces lysine, which is basic and polar, with glutamic acid, which is acidic and polar, at codon 704 of the GEN1 protein (p.Lys704Glu). This variant is present in population databases (rs371577438, gnomAD 0.005%). This variant has not been reported in the literature in individuals affected with GEN1-related conditions. ClinVar contains an entry for this variant (Variation ID: 2544905). An algorithm developed to predict the effect of missense changes on protein structure and function (PolyPhen-2) suggests that this variant is likely to be tolerated. In summary, the available evidence is currently insufficient to determine the role of this variant in disease. Therefore, it has been classified as a Variant of Uncertain Significance.